The following is an entry in ClinVar:

NM_003995.4(NPR2):c.2299C>T (p.Arg767Ter)

Gene: NPR2 (natriuretic peptide receptor 2; plus strand). Cytogenetic location: 9p13.3.
Variant type: single nucleotide variant.
Coding change: c.2299C>T on transcript NM_003995.4 (MANE Select); coding-DNA position 2299, C replaced by T.
Protein change: p.Arg767Ter; replaces arginine 767 with a stop codon.
Molecular consequence: nonsense.
Genome position (GRCh38, 1-based): chr9:35,806,160, C>T. VCF-style: chr9-35806160-C-T. GRCh37 (hg19) VCF-style: chr9-35806157-C-T.
Other names: c.2308C>T, p.Arg770Ter (NM_001378923.1); short protein forms R767*, R770*.
Identifiers: ClinVar variation 998027 (VCV000998027.6), dbSNP rs753472316, ClinGen allele CA373379126.
Genomic context (GRCh38, chr9:35,806,160, plus strand): 5'-TATTTCCGGCCAAGCATTGACCGGACCCAACTGAATGAAGAGCTAGTTTTGCTGATGGAG[C>T]GATGTTGGGCTCAGGACCCAGCTGAGCGGCCAGACTTTGGACAGATTAAGGGCTTCATTC-3'

ClinVar aggregate classification (germline): Pathogenic. Review status: criteria provided, multiple submitters, no conflicts (2 of 4 stars). 3 submissions from 3 submitters: Pathogenic (2). 1 of the submissions does not count toward it. Last evaluated 2023-09-29.

Conditions:
Short stature with nonspecific skeletal abnormalities. Identifiers: MedGen C4225399, MONDO:0975810.
Acromesomelic dysplasia 1, Maroteaux type (AMD1). Also called: ST. HELENA DYSPLASIA; ACROMESOMELIC DYSPLASIA 1. Identifiers: Orphanet 40, MedGen C1864356, MONDO:0011275, OMIM 602875.
Tall stature-scoliosis-macrodactyly of the great toes syndrome. Also called: Epiphyseal chondrodysplasia, miura type. Identifiers: Orphanet 329191, MedGen C4014690, MONDO:0014401, OMIM 615923.

gnomAD v4.1: 3 of 1,614,188 alleles (0.00019%); highest among the groups gnomAD compares: Non-Finnish European, 0.00025%; no homozygotes.

Submissions (3):

Labcorp Genetics (formerly Invitae), Labcorp
Classification: Pathogenic for Tall stature-scoliosis-macrodactyly of the great toes syndrome; Acromesomelic dysplasia 1, Maroteaux type. Last evaluated: 2023-09-29. Review status: criteria provided, single submitter. Criteria: Invitae Variant Classification Sherloc (09022015). Collection method: clinical testing. Allele origin: germline.
Comment: For these reasons, this variant has been classified as Pathogenic. ClinVar contains an entry for this variant (Variation ID: 998027). This premature translational stop signal has been observed in individual(s) with short stature (PMID: 34006472). This variant is present in population databases (no rsID available, gnomAD 0.0009%). This sequence change creates a premature translational stop signal (p.Arg767*) in the NPR2 gene. It is expected to result in an absent or disrupted protein product. Loss-of-function variants in NPR2 are known to be pathogenic (PMID: 15146390, 15572448, 16384845).

Laboratory of Inherited Metabolic Diseases, Research centre for medical genetics
Classification: Pathogenic for Acromesomelic dysplasia 1, Maroteaux type. Last evaluated: 2022-04-01. Review status: criteria provided, single submitter. Criteria: ACMG Guidelines, 2015. Collection method: clinical testing. Allele origin: inherited. Affected: yes. Observed: 10 variant alleles.

Beijing Key Laboratory for Genetic Research of Skeletal Deformity, Peking Union Medical College Hospital
Classification: Likely pathogenic for Short stature with nonspecific skeletal abnormalities 1. Last evaluated: 2019-05-31. Review status: no assertion criteria provided. Collection method: research. Allele origin: unknown. Affected: yes. Not counted in ClinVar's aggregate classification.

Literature cited by the submitters: PubMed 34006472 (cited by Labcorp Genetics (formerly Invitae), Labcorp); PubMed 15146390 (cited by Labcorp Genetics (formerly Invitae), Labcorp); PubMed 15572448 (cited by Labcorp Genetics (formerly Invitae), Labcorp); PubMed 16384845 (cited by Labcorp Genetics (formerly Invitae), Labcorp).